The following is an entry in ClinVar:

NM_001352248.3(SLC5A11):c.1762AGC[6] (p.Ser592_Val593insSer)

Gene: SLC5A11 (solute carrier family 5 member 11; plus strand). Cytogenetic location: 16p12.1.
Variant type: Microsatellite.
Coding change: c.1762AGC[6] on transcript NM_001352248.3 (MANE Select); six copies in a row of the 3-base unit AGC starting at c.1762; the reference has five copies in a row; one copy, 3 bases duplicated.
Protein change: p.Ser592_Val593insSer.
Molecular consequence: inframe insertion. On other transcripts: non-coding transcript variant (10), inframe indel (1).
Genome position (GRCh38, 1-based): chr16:24,910,429-24,910,431, AGC duplicated; duplicating any 3 consecutive bases within chr16:24,910,416-24,910,431 gives the same sequence; the position shown is the placement nearest the transcript's 3' end. VCF-style (leftmost placement, unchanged base first): chr16-24910415-C-CCAG. GRCh37 (hg19) VCF-style: chr16-24921736-C-CCAG.
Other names: c.1657AGC[6], p.Ser557_Val558insSer (NM_001258411.3, NM_001352238.2); c.1552AGC[6], p.Ser522_Val523insSer (NM_001258412.3); c.1570AGC[6], p.Ser528_Val529insSer (NM_001258413.3, NM_001352236.2, NM_001352249.2 and 1 more transcripts); c.1294AGC[6], p.Ser436_Val437insSer (NM_001258414.2); c.1723AGC[6], p.Ser579_Val580insSer (NM_001352235.2); c.1465AGC[6], p.Ser493_Val494insSer (NM_001352237.2, NM_001394078.1); c.1762AGC[6], p.Ser592_Val593insSer (NM_001352242.2); c.1486AGC[6], p.Ser500_Val501insSer (NM_001352245.2, NM_001352246.2); and 6 more.
Identifiers: ClinVar variation 2646338 (VCV002646338.24), dbSNP rs140499762, ClinGen allele CA7970374.

ClinVar aggregate classification (germline): Likely benign (1 of 4 stars; one submission).

Submission:

CeGaT Center for Human Genetics Tuebingen
Classification: Likely benign. Last evaluated: 2022-09-01. Review status: criteria provided, single submitter. Criteria: CeGaT Center For Human Genetics Tuebingen Variant Classification Criteria Version 2. Collection method: clinical testing. Allele origin: germline. Affected: yes. Observed: 1 variant allele.
Comment: SLC5A11: BS2